The following is an entry in ClinVar:

ClinVar aggregate classification (germline): Likely pathogenic (1 of 4 stars; one submission).

Conditions:
Familial hypocalciuric hypercalcemia (FHH). Also called: Familial benign hypercalcemia. Identifiers: Orphanet 405, MedGen C1809471, MONDO:0018458.
Autosomal dominant hypocalcemia 1 (HYPOC1). Also called: HYPOCALCEMIA, FAMILIAL. Identifiers: MedGen C3715128, MONDO:0011013, OMIM 601198.

Submission:

Labcorp Genetics (formerly Invitae), Labcorp
Classification: Likely pathogenic for Familial hypocalciuric hypercalcemia; Autosomal dominant hypocalcemia 1. Last evaluated: 2021-05-13. Review status: criteria provided, single submitter. Criteria: Invitae Variant Classification Sherloc (09022015). Collection method: clinical testing. Allele origin: germline.
Comment: This sequence change affects a donor splice site in intron 4 of the CASR gene. It is expected to disrupt RNA splicing. Variants that disrupt the donor or acceptor splice site typically lead to a loss of protein function (PMID: 16199547), and loss-of-function variants in CASR are known to be pathogenic (PMID: 22422767). This variant is not present in population databases (ExAC no frequency). This variant has not been reported in the literature in individuals with CASR-related conditions. Algorithms developed to predict the effect of sequence changes on RNA splicing suggest that this variant may disrupt the consensus splice site, but this prediction has not been confirmed by published transcriptional studies. In summary, the currently available evidence indicates that the variant is pathogenic, but additional data are needed to prove that conclusively. Therefore, this variant has been classified as Likely Pathogenic.

Literature cited by the submitters: PubMed 16199547; PubMed 22422767.

NM_000388.4(CASR):c.1377+1G>T

Gene: CASR (calcium sensing receptor; plus strand). Cytogenetic location: 3q21.1.
Variant type: single nucleotide variant.
Coding change: c.1377+1G>T on transcript NM_000388.4 (MANE Select); the canonical splice donor site of the intron after coding-DNA position 1377, G replaced by T.
Molecular consequence: splice donor variant.
Genome position (GRCh38, 1-based): chr3:122,262,413, G>T. VCF-style: chr3-122262413-G-T. GRCh37 (hg19) VCF-style: chr3-121981260-G-T.
Other names: c.1377+1G>T (NM_001178065.2).
Identifiers: ClinVar variation 1472423 (VCV001472423.8), dbSNP rs2074639464, ClinGen allele CA354153444.